The following is an entry in ClinVar:

NM_005391.5(PDK3):c.577G>A (p.Val193Met)

Gene: PDK3 (pyruvate dehydrogenase kinase 3; plus strand). Cytogenetic location: Xp22.11.
Variant type: single nucleotide variant.
Coding change: c.577G>A on transcript NM_005391.5 (MANE Select); coding-DNA position 577, G replaced by A.
Protein change: p.Val193Met; replaces valine 193 with methionine.
Molecular consequence: missense variant.
Genome position (GRCh38, 1-based): chrX:24,505,280, G>A. VCF-style: chrX-24505280-G-A. GRCh37 (hg19) VCF-style: chrX-24523397-G-A.
Other names: c.577G>A, p.Val193Met (NM_001142386.3); short protein forms V193M.
Identifiers: ClinVar variation 1034744 (VCV001034744.8), dbSNP rs764909872, ClinGen allele CA10372304.
Genomic context (GRCh38, chrX:24,505,280, plus strand): 5'-GGGGGTGACACTAATCCTGTTCATCCTAAACACATAGGAAGTATCGATCCCACCTGTAAC[G>A]TGGCGGATGTGGTGAAAGGTAAGGAGACCGTTGTAATGGTATCGATCGTAGTTCAAATTG-3'
Protein context (NP_005382.1, residues 183-203): HIGSIDPTCN[Val193Met]ADVVKDAYET

ClinVar aggregate classification (germline): Uncertain significance (1 of 4 stars; one submission).

Conditions:
Charcot-Marie-Tooth disease X-linked dominant 6. Also called: CHARCOT-MARIE-TOOTH NEUROPATHY, X-LINKED DOMINANT, 6. Identifiers: Orphanet 352675, MedGen C3806702, MONDO:0010479, OMIM 300905.

Allele frequency attached by ClinVar (database versions not stated): ExAC 0.00001; gnomAD exomes 0.00001.
gnomAD v4.1: 5 of 1,192,097 alleles (0.00042%); highest among the groups gnomAD compares: African/African-American, 0.0035%; no homozygotes.

Submission:

Labcorp Genetics (formerly Invitae), Labcorp
Classification: Uncertain significance for Charcot-Marie-Tooth disease X-linked dominant 6. Last evaluated: 2020-05-11. Review status: criteria provided, single submitter. Criteria: Invitae Variant Classification Sherloc (09022015). Collection method: clinical testing. Allele origin: germline.
Comment: This variant is present in population databases (rs764909872, ExAC 0.002%). In summary, the available evidence is currently insufficient to determine the role of this variant in disease. Therefore, it has been classified as a Variant of Uncertain Significance. Algorithms developed to predict the effect of missense changes on protein structure and function are either unavailable or do not agree on the potential impact of this missense change (SIFT: "Deleterious"; PolyPhen-2: "Probably Damaging"; Align-GVGD: "Class C0"). This variant has not been reported in the literature in individuals with PDK3-related conditions. This sequence change replaces valine with methionine at codon 193 of the PDK3 protein (p.Val193Met). The valine residue is highly conserved and there is a small physicochemical difference between valine and methionine.